The following is an entry in ClinVar:

NM_001363118.2(SLC52A2):c.370G>A (p.Ala124Thr)

Gene: SLC52A2 (solute carrier family 52 member 2; plus strand). Cytogenetic location: 8q24.3.
Variant type: single nucleotide variant.
Coding change: c.370G>A on transcript NM_001363118.2 (MANE Select); coding-DNA position 370, G replaced by A.
Protein change: p.Ala124Thr; replaces alanine 124 with threonine.
Molecular consequence: missense variant. On other transcripts: non-coding transcript variant (1), intron variant (1).
Genome position (GRCh38, 1-based): chr8:144,359,862, G>A. VCF-style: chr8-144359862-G-A. GRCh37 (hg19) VCF-style: chr8-145583522-G-A.
Other names: c.370G>A, p.Ala124Thr (NM_001253815.2, NM_001253816.2, NM_001363120.2 and 2 more transcripts); c.131-253G>A (NM_001363122.2); short protein forms A124T.
Identifiers: ClinVar variation 1313440 (VCV001313440.2), dbSNP rs146274588, ClinGen allele CA372626979.

ClinVar aggregate classification (germline): Uncertain significance (1 of 4 stars; one submission).

gnomAD v4.1: 3 of 1,613,748 alleles (0.00019%); highest among the groups gnomAD compares: Non-Finnish European, 0.00017%; no homozygotes.

Submission:

GeneDx
Classification: Uncertain significance. Last evaluated: 2020-10-16. Review status: criteria provided, single submitter. Criteria: GeneDx Variant Classification Process June 2021. Collection method: clinical testing. Allele origin: germline. Affected: yes.
Comment: Not observed at a significant frequency in large population cohorts (Lek et al., 2016); In silico analysis supports that this missense variant does not alter protein structure/function; Has not been previously published as pathogenic or benign to our knowledge